The following is an entry in ClinVar:

ClinVar aggregate classification (germline): Uncertain significance (1 of 4 stars; one submission).

Conditions:
Cardiovascular phenotype. Identifiers: MedGen CN230736.

Submission:

Ambry Genetics
Classification: Uncertain significance for Cardiovascular phenotype. Last evaluated: 2025-02-13. Review status: criteria provided, single submitter. Criteria: Ambry Variant Classification Scheme 2023. Collection method: clinical testing. Allele origin: germline.
Comment: The p.S304R variant (also known as c.912T>G), located in coding exon 6 of the LPL gene, results from a T to G substitution at nucleotide position 912. The serine at codon 304 is replaced by arginine, an amino acid with dissimilar properties. This amino acid position is conserved. In addition, the in silico prediction for this alteration is inconclusive. Based on the available evidence, the clinical significance of this variant remains unclear.

NM_000237.3(LPL):c.912T>G (p.Ser304Arg)

Gene: LPL (lipoprotein lipase; plus strand). Cytogenetic location: 8p21.3.
Variant type: single nucleotide variant.
Coding change: c.912T>G on transcript NM_000237.3 (MANE Select); coding-DNA position 912, T replaced by G.
Protein change: p.Ser304Arg; replaces serine 304 with arginine.
Molecular consequence: missense variant.
Genome position (GRCh38, 1-based): chr8:19,955,977, T>G. VCF-style: chr8-19955977-T-G. GRCh37 (hg19) VCF-style: chr8-19813488-T-G.
Other names: short protein forms S304R.
Identifiers: ClinVar variation 3867855 (VCV003867855.1).